The following is an entry in ClinVar:

NM_006662.3(SRCAP):c.5216C>T (p.Pro1739Leu)

Gene: SRCAP (Snf2 related CREBBP activator protein; plus strand). Cytogenetic location: 16p11.2.
Variant type: single nucleotide variant.
Coding change: c.5216C>T on transcript NM_006662.3 (MANE Select); coding-DNA position 5216, C replaced by T.
Protein change: p.Pro1739Leu; replaces proline 1739 with leucine.
Molecular consequence: missense variant.
Genome position (GRCh38, 1-based): chr16:30,724,640, C>T. VCF-style: chr16-30724640-C-T. GRCh37 (hg19) VCF-style: chr16-30735961-C-T.
Other names: short protein forms P1739L.
Identifiers: ClinVar variation 1415385 (VCV001415385.9), dbSNP rs757626317, ClinGen allele CA395617877.

ClinVar aggregate classification (germline): Uncertain significance. Review status: criteria provided, multiple submitters, no conflicts (2 of 4 stars). 2 submissions from 2 submitters: Uncertain significance (2). Last evaluated 2023-07-07.

Conditions:
Developmental delay, hypotonia, musculoskeletal defects, and behavioral abnormalities. Identifiers: MedGen C5562012, MONDO:0859202, OMIM 619595.
Floating-Harbor syndrome (FLHS). Also called: SRCAP-Related Floating-Harbor Syndrome; Short stature with delayed bone age, expressive language delay, a triangular face with a prominent nose and deep-set eyes; Pelletier-Leisti syndrome. Identifiers: Orphanet 2044, MedGen C0729582, MONDO:0007621, OMIM 136140.

gnomAD v4.1: 12 of 1,614,182 alleles (0.00074%); highest among the groups gnomAD compares: Middle Eastern, 0.016%; no homozygotes.

Submissions (2):

Labcorp Genetics (formerly Invitae), Labcorp
Classification: Uncertain significance. Last evaluated: 2023-07-07. Review status: criteria provided, single submitter. Criteria: Invitae Variant Classification Sherloc (09022015). Collection method: clinical testing. Allele origin: germline.
Comment: In summary, the available evidence is currently insufficient to determine the role of this variant in disease. Therefore, it has been classified as a Variant of Uncertain Significance. Advanced modeling of protein sequence and biophysical properties (such as structural, functional, and spatial information, amino acid conservation, physicochemical variation, residue mobility, and thermodynamic stability) performed at Invitae indicates that this missense variant is not expected to disrupt SRCAP protein function. ClinVar contains an entry for this variant (Variation ID: 1415385). This variant has not been reported in the literature in individuals affected with SRCAP-related conditions. This variant is present in population databases (no rsID available, gnomAD 0.006%). This sequence change replaces proline, which is neutral and non-polar, with leucine, which is neutral and non-polar, at codon 1739 of the SRCAP protein (p.Pro1739Leu).

Fulgent Genetics
Classification: Uncertain significance for Floating-Harbor syndrome; Developmental delay, hypotonia, musculoskeletal defects, and behavioral abnormalities. Last evaluated: 2022-02-06. Review status: criteria provided, single submitter. Criteria: ACMG Guidelines, 2015. Collection method: clinical testing. Allele origin: unknown.